The following is an entry in ClinVar:

ClinVar aggregate classification (germline): Uncertain significance (1 of 4 stars; one submission).

Conditions:
Generalized epilepsy-paroxysmal dyskinesia syndrome (PNKD3). Also called: Generalized epilepsy and paroxysmal dyskinesia; Paroxysmal nonkinesigenic dyskinesia, 3, with or without generalized epilepsy. Identifiers: Orphanet 79137, MedGen C5574945, MONDO:0012276, OMIM 609446.

Allele frequency attached by ClinVar (database versions not stated): gnomAD exomes below 0.00001; TOPMed 0.00001.
gnomAD v4.1: 2 of 1,613,878 alleles (0.00012%); highest among the groups gnomAD compares: African/African-American, 0.0013%; no homozygotes.

Submission:

Labcorp Genetics (formerly Invitae), Labcorp
Classification: Uncertain significance for Generalized epilepsy-paroxysmal dyskinesia syndrome. Last evaluated: 2022-02-10. Review status: criteria provided, single submitter. Criteria: Invitae Variant Classification Sherloc (09022015). Collection method: clinical testing. Allele origin: germline.
Comment: This sequence change replaces threonine, which is neutral and polar, with alanine, which is neutral and non-polar, at codon 685 of the KCNMA1 protein (p.Thr685Ala). This variant is present in population databases (no rsID available, gnomAD 0.007%). This variant has not been reported in the literature in individuals affected with KCNMA1-related conditions. Algorithms developed to predict the effect of missense changes on protein structure and function (SIFT, PolyPhen-2, Align-GVGD) all suggest that this variant is likely to be tolerated. In summary, the available evidence is currently insufficient to determine the role of this variant in disease. Therefore, it has been classified as a Variant of Uncertain Significance.

NM_001161352.2(KCNMA1):c.2053A>G (p.Thr685Ala)

Gene: KCNMA1 (potassium calcium-activated channel subfamily M alpha 1; minus strand). Cytogenetic location: 10q22.3.
Variant type: single nucleotide variant.
Coding change: c.2053A>G on transcript NM_001161352.2 (MANE Select); coding-DNA position 2053, A replaced by G.
Protein change: p.Thr685Ala; replaces threonine 685 with alanine.
Molecular consequence: missense variant.
Genome position (GRCh38, 1-based): chr10:77,012,006, T>C on the plus strand (A>G on the coding strand, the complement: KCNMA1 is on the minus strand). VCF-style: chr10-77012006-T-C. GRCh37 (hg19) VCF-style: chr10-78771764-T-C.
Other names: c.2065A>G, p.Thr689Ala (NM_001014797.3, NM_001322830.2, NM_001322835.2 and 1 more transcripts); c.2053A>G, p.Thr685Ala (NM_001161353.2, NM_001271519.2, NM_001322829.2 and 3 more transcripts); c.1903A>G, p.Thr635Ala (NM_001271518.2); c.1513A>G, p.Thr505Ala (NM_001322838.2); short protein forms T505A, T635A, T689A, T685A.
Identifiers: ClinVar variation 1348446 (VCV001348446.6), dbSNP rs1449813631, ClinGen allele CA377407260.
Genomic context (GRCh38, chr10:77,012,006, plus strand): 5'-AGGGAGAGAAACACTACTTACGCCGTTTGCAGCCACATTTTTTTATTCTTTTGGGATCTG[T>C]GATGTCATCATGACAGGCCTTGCAGTAAAAAAATGCCCTGGAGAAAGAGAATGGAAAAAC-3'
Protein context (NP_001154824.1, residues 675-695): FYCKACHDDI[Thr685Ala]DPKRIKKCGC